The following is an entry in ClinVar:

NM_022166.4(XYLT1):c.1276G>A (p.Asp426Asn)

Gene: XYLT1 (xylosyltransferase 1; minus strand). Cytogenetic location: 16p12.3.
Variant type: single nucleotide variant.
Coding change: c.1276G>A on transcript NM_022166.4 (MANE Select); coding-DNA position 1276, G replaced by A.
Protein change: p.Asp426Asn; replaces aspartic acid 426 with asparagine.
Molecular consequence: missense variant.
Genome position (GRCh38, 1-based): chr16:17,198,225, C>T on the plus strand (G>A on the coding strand, the complement: XYLT1 is on the minus strand). VCF-style: chr16-17198225-C-T. GRCh37 (hg19) VCF-style: chr16-17292082-C-T.
Other names: c.1276G>A (NM_022166.3); short protein forms D426N.
Identifiers: ClinVar variation 1512372 (VCV001512372.7), dbSNP rs1193112792, ClinGen allele CA394885351.
Genomic context (GRCh38, chr16:17,198,225, plus strand): 5'-GAGCAGGACGTCAGACAAGACTGGCTTGGGGCCCTTGGCTGCCTTACCTGATGGGGTAGT[C>T]GGCCGCACTCAGGTTGATGAAGAAGTCCCAGGGCCAGTCGGTCATCTCCAGGAGGTCCCG-3'
Protein context (NP_071449.1, residues 416-436): WDFFINLSAA[Asp426Asn]YPIRTNDQLV

ClinVar aggregate classification (germline): Uncertain significance. Review status: criteria provided, multiple submitters, no conflicts (2 of 4 stars). 2 submissions from 2 submitters: Uncertain significance (2). Last evaluated 2026-01-09.

Conditions:
Desbuquois dysplasia 1 (DBQD1). Also called: MICROMELIC DWARFISM WITH VERTEBRAL AND METAPHYSEAL ABNORMALITIES AND ADVANCED CARPOTARSAL OSSIFICATION; DESBUQUOIS DYSPLASIA 1, KIM VARIANT. Identifiers: Orphanet 1425, MedGen C4012146, MONDO:0009629, OMIM 251450.

Allele frequency attached by ClinVar (database versions not stated): TOPMed below 0.00001; gnomAD exomes below 0.00001; gnomAD 0.00001.
gnomAD v4.1: 5 of 1,613,992 alleles (0.00031%); highest among the groups gnomAD compares: African/African-American, 0.0013%; no homozygotes.

Submissions (2):

GeneDx
Classification: Uncertain significance. Last evaluated: 2026-01-09. Review status: criteria provided, single submitter. Criteria: GeneDx Variant Classification Process June 2021. Collection method: clinical testing. Allele origin: germline. Affected: yes.
Comment: Not observed at significant frequency in large population cohorts (gnomAD); In silico analysis supports that this missense variant has a deleterious effect on protein structure/function; Has not been previously published as pathogenic or benign to our knowledge

Labcorp Genetics (formerly Invitae), Labcorp
Classification: Uncertain significance for Desbuquois dysplasia 1. Last evaluated: 2021-08-31. Review status: criteria provided, single submitter. Criteria: Invitae Variant Classification Sherloc (09022015). Collection method: clinical testing. Allele origin: germline.
Comment: This sequence change replaces aspartic acid with asparagine at codon 426 of the XYLT1 protein (p.Asp426Asn). The aspartic acid residue is highly conserved and there is a small physicochemical difference between aspartic acid and asparagine. This variant is not present in population databases (ExAC no frequency). This variant has not been reported in the literature in individuals affected with XYLT1-related conditions. Algorithms developed to predict the effect of missense changes on protein structure and function are either unavailable or do not agree on the potential impact of this missense change (SIFT: "Deleterious"; PolyPhen-2: "Probably Damaging"; Align-GVGD: "Class C15"). In summary, the available evidence is currently insufficient to determine the role of this variant in disease. Therefore, it has been classified as a Variant of Uncertain Significance.